The following is an entry in ClinVar:

NM_002454.3(MTRR):c.1146+1G>A

Gene: MTRR (5-methyltetrahydrofolate-homocysteine methyltransferase reductase; plus strand). Cytogenetic location: 5p15.31.
Variant type: single nucleotide variant.
Coding change: c.1146+1G>A on transcript NM_002454.3 (MANE Select); the canonical splice donor site of the intron after coding-DNA position 1146, G replaced by A.
Molecular consequence: splice donor variant. On other transcripts: non-coding transcript variant (4).
Genome position (GRCh38, 1-based): chr5:7,886,704, G>A. VCF-style: chr5-7886704-G-A. GRCh37 (hg19) VCF-style: chr5-7886817-G-A.
Other names: c.1146+1G>A (NM_002454.2, NM_001364440.2, NM_001364441.2 and 2 more transcripts).
Identifiers: ClinVar variation 2676871 (VCV002676871.4), dbSNP rs772608494, ClinGen allele CA3195829.

ClinVar aggregate classification (germline): Likely pathogenic. Review status: criteria provided, multiple submitters, no conflicts (2 of 4 stars). 3 submissions from 3 submitters: Likely pathogenic (3). Last evaluated 2025-12-01.

Conditions:
Neural tube defects, folate-sensitive (NTDFS). Also called: NTD, FOLATE-SENSITIVE. Identifiers: Orphanet 823, MedGen C1866558, MONDO:0011120, OMIM 601634.
Methylcobalamin deficiency type cblE (HMAE). Also called: VITAMIN B12-RESPONSIVE HOMOCYSTINURIA, cblE TYPE; HOMOCYSTINURIA-MEGALOBLASTIC ANEMIA, cblE COMPLEMENTATION TYPE; HOMOCYSTINURIA-MEGALOBLASTIC ANEMIA, cblE TYPE. Identifiers: Orphanet 2169, Orphanet 622, MedGen C1856057, MONDO:0009354, OMIM 236270.

Allele frequency attached by ClinVar (database versions not stated): ExAC 0.00001.
gnomAD v4.1: 1 of 1,606,656 alleles (0.000062%); highest among the groups gnomAD compares: South Asian, 0.0011%; no homozygotes.

Submissions (3):

Natera, Inc.
Classification: Likely pathogenic for CblE complementation type homocystinuria-megaloblastic anemia due to defect in cobalamin metabolism. Last evaluated: 2025-12-01. Review status: criteria provided, single submitter. Criteria: Natera Variant Classification Schema (03/2026). Collection method: clinical testing. Allele origin: germline.
Comment: The c.1146+1G>A variant in MTRR is a canonical splice donor site variant predicted to affect pre-mRNA splicing, which may result in an abnormal transcript and altered protein product. This variant is expected to result in nonsense mediated decay, truncation, or a dysfunctional protein product. This variant is rare in the general population with a frequency below the threshold expected for the associated phenotype(s). Given the available evidence, this variant is classified as Likely Pathogenic.

Baylor Genetics
Classification: Likely pathogenic for Neural tube defects, folate-sensitive. Last evaluated: 2023-11-15. Review status: criteria provided, single submitter. Criteria: ACMG Guidelines, 2015. Collection method: clinical testing. Allele origin: unknown.

Kariminejad - Najmabadi Pathology & Genetics Center
Classification: Likely pathogenic for Methylcobalamin deficiency type cblE. Review status: criteria provided, single submitter. Criteria: ACMG Guidelines, 2015. Collection method: clinical testing. Allele origin: germline. Affected: no.